The following is an entry in ClinVar:

ClinVar aggregate classification (germline): Pathogenic (1 of 4 stars; one submission).

Conditions:
Duchenne muscular dystrophy (DMD). Also called: MUSCULAR DYSTROPHY, PSEUDOHYPERTROPHIC PROGRESSIVE, DUCHENNE TYPE; Duchenne Muscular Dystrophy (DMD). Identifiers: Orphanet 98896, MedGen C0013264, MONDO:0010679, OMIM 310200.

Submission:

Labcorp Genetics (formerly Invitae), Labcorp
Classification: Pathogenic for Duchenne muscular dystrophy. Last evaluated: 2025-08-31. Review status: criteria provided, single submitter. Criteria: Invitae Variant Classification Sherloc (09022015). Collection method: clinical testing. Allele origin: germline.
Comment: This sequence change affects a donor splice site in intron 7 of the DMD gene. It is expected to disrupt RNA splicing. Variants that disrupt the donor or acceptor splice site typically lead to a loss of protein function (PMID: 16199547), and loss-of-function variants in DMD are known to be pathogenic (PMID: 16770791, 25007885). This variant is not present in population databases (gnomAD no frequency). Disruption of this splice site has been observed in individual(s) with Duchenne muscular dystrophy (PMID: 21515508, 27593222). Algorithms developed to predict the effect of sequence changes on RNA splicing suggest that this variant may disrupt the consensus splice site. For these reasons, this variant has been classified as Pathogenic.

Literature cited by the submitters: PubMed 16199547; PubMed 16770791; PubMed 25007885; PubMed 21515508; PubMed 27593222.

NM_004006.3(DMD):c.649+2T>C

Gene: DMD (dystrophin; minus strand). Cytogenetic location: Xp21.1.
Variant type: single nucleotide variant.
Coding change: c.649+2T>C on transcript NM_004006.3 (MANE Select); the canonical splice donor site of the intron after coding-DNA position 649, T replaced by C.
Molecular consequence: splice donor variant.
Genome position (GRCh38, 1-based): chrX:32,809,491, A>G on the plus strand (T>C on the coding strand, the complement: DMD is on the minus strand). VCF-style: chrX-32809491-A-G. GRCh37 (hg19) VCF-style: chrX-32827608-A-G.
Other names: c.625+2T>C (NM_000109.4); c.637+2T>C (NM_004009.3); c.280+2T>C (NM_004010.3).
Identifiers: ClinVar variation 4710702 (VCV004710702.1), dbSNP rs2148750563.